The following is an entry in ClinVar:

NM_000286.3(PEX12):c.799T>C (p.Ser267Pro)

Gene: PEX12 (peroxisomal biogenesis factor 12; minus strand). Cytogenetic location: 17q12.
Variant type: single nucleotide variant.
Coding change: c.799T>C on transcript NM_000286.3 (MANE Select); coding-DNA position 799, T replaced by C.
Protein change: p.Ser267Pro; replaces serine 267 with proline.
Molecular consequence: missense variant.
Genome position (GRCh38, 1-based): chr17:35,576,063, A>G on the plus strand (T>C on the coding strand, the complement: PEX12 is on the minus strand). VCF-style: chr17-35576063-A-G. GRCh37 (hg19) VCF-style: chr17-33903082-A-G.
Other names: short protein forms S267P.
Identifiers: ClinVar variation 1413923 (VCV001413923.6), dbSNP rs2142229155, ClinGen allele CA399137354.
Genomic context (GRCh38, chr17:35,576,063, plus strand): 5'-GTACAGGTGGTGGTGGAGTAGGCAGGGCAGTCAATGACTTGATGGTTTCTTGATTTTCAG[A>G]TGAGTACCACCAGTCAAGGAACTGCAAGAAGAATACACCCACAGAAAGGCCAGTAGACAG-3'
Protein context (NP_000277.1, residues 257-277): FLQFLDWWYS[Ser267Pro]ENQETIKSLT

ClinVar aggregate classification (germline): Uncertain significance (1 of 4 stars; one submission).

Conditions:
Peroxisome biogenesis disorder 3A (Zellweger). Also called: PEROXISOMAL BIOGENESIS DISORDER 3A (ZELLWEGER); Peroxisome biogenesis disorder 3A. Identifiers: Orphanet 912, MedGen C3553929, MONDO:0013927, OMIM 614859.

Submission:

Labcorp Genetics (formerly Invitae), Labcorp
Classification: Uncertain significance for Peroxisome biogenesis disorder 3A (Zellweger). Last evaluated: 2022-11-01. Review status: criteria provided, single submitter. Criteria: Invitae Variant Classification Sherloc (09022015). Collection method: clinical testing. Allele origin: germline.
Comment: ClinVar contains an entry for this variant (Variation ID: 1413923). In summary, the available evidence is currently insufficient to determine the role of this variant in disease. Therefore, it has been classified as a Variant of Uncertain Significance. Advanced modeling of protein sequence and biophysical properties (such as structural, functional, and spatial information, amino acid conservation, physicochemical variation, residue mobility, and thermodynamic stability) performed at Invitae indicates that this missense variant is not expected to disrupt PEX12 protein function. This variant has not been reported in the literature in individuals affected with PEX12-related conditions. This variant is not present in population databases (gnomAD no frequency). This sequence change replaces serine, which is neutral and polar, with proline, which is neutral and non-polar, at codon 267 of the PEX12 protein (p.Ser267Pro).